The following is an entry in ClinVar:

NM_001024383.2(NAV3):c.1774_1775delinsAT (p.Ser592Ile)

Gene: NAV3 (neuron navigator 3; plus strand). Cytogenetic location: 12q21.2.
Variant type: Indel.
Coding change: c.1774_1775delinsAT on transcript NM_001024383.2 (MANE Select); coding-DNA positions 1774 to 1775, TC replaced by AT.
Protein change: p.Ser592Ile; replaces serine 592 with isoleucine.
Molecular consequence: missense variant.
Genome position (GRCh38, 1-based): chr12:78,007,312-78,007,313, TC replaced by AT. VCF-style: chr12-78007312-TC-AT. GRCh37 (hg19) VCF-style: chr12-78401092-TC-AT.
Other names: c.1774_1775delinsAT, p.Ser592Ile (NM_014903.6); short protein forms S592I.
Identifiers: ClinVar variation 4088063 (VCV004088063.1).

ClinVar aggregate classification (germline): Uncertain significance (1 of 4 stars; one submission).

Submission:

GeneDx
Classification: Uncertain significance. Last evaluated: 2025-03-28. Review status: criteria provided, single submitter. Criteria: GeneDx Variant Classification Process June 2021. Collection method: clinical testing. Allele origin: germline. Affected: yes.
Comment: Not observed at significant frequency in large population cohorts (gnomAD); In silico analysis indicates that this variant does not alter protein structure/function; Has not been previously published as pathogenic or benign to our knowledge